The following is an entry in ClinVar:

NM_003632.3(CNTNAP1):c.2620G>A (p.Glu874Lys)

Gene: CNTNAP1 (contactin associated protein 1; plus strand). Cytogenetic location: 17q21.2.
Variant type: single nucleotide variant.
Coding change: c.2620G>A on transcript NM_003632.3 (MANE Select); coding-DNA position 2620, G replaced by A.
Protein change: p.Glu874Lys; replaces glutamic acid 874 with lysine.
Molecular consequence: missense variant.
Genome position (GRCh38, 1-based): chr17:42,692,588, G>A. VCF-style: chr17-42692588-G-A. GRCh37 (hg19) VCF-style: chr17-40844606-G-A.
Other names: p.Glu874Lys; c.2620G>A (NM_003632.2); short protein forms E874K.
Identifiers: ClinVar variation 3380488 (VCV003380488.2).

ClinVar aggregate classification (germline): Uncertain significance. Review status: criteria provided, multiple submitters, no conflicts (2 of 4 stars). 2 submissions from 2 submitters: Uncertain significance (2). Last evaluated 2024-05-21.

gnomAD v4.1: 33 of 1,614,052 alleles (0.002%); highest among the groups gnomAD compares: East Asian, 0.0045%; no homozygotes.

Submissions (2):

GeneDx
Classification: Uncertain significance. Last evaluated: 2024-05-21. Review status: criteria provided, single submitter. Criteria: GeneDx Variant Classification Process June 2021. Collection method: clinical testing. Allele origin: germline. Affected: yes.
Comment: Not observed at significant frequency in large population cohorts (gnomAD); In silico analysis indicates that this missense variant does not alter protein structure/function; Has not been previously published as pathogenic or benign to our knowledge

Mayo Clinic Laboratories, Mayo Clinic
Classification: Uncertain significance. Last evaluated: 2023-07-25. Review status: criteria provided, single submitter. Criteria: ACMG Guidelines, 2015. Collection method: clinical testing. Allele origin: germline. Observed: 1 variant allele.